The following is an entry in ClinVar:

NM_015057.5(MYCBP2):c.4202G>A (p.Ser1401Asn)

Gene: MYCBP2 (MYC binding protein 2; minus strand). Cytogenetic location: 13q22.3.
Variant type: single nucleotide variant.
Coding change: c.4202G>A on transcript NM_015057.5 (MANE Select); coding-DNA position 4202, G replaced by A.
Protein change: p.Ser1401Asn; replaces serine 1401 with asparagine.
Molecular consequence: missense variant.
Genome position (GRCh38, 1-based): chr13:77,189,000, C>T on the plus strand (G>A on the coding strand, the complement: MYCBP2 is on the minus strand). VCF-style: chr13-77189000-C-T. GRCh37 (hg19) VCF-style: chr13-77763135-C-T.
Other names: short protein forms S1401N.
Identifiers: ClinVar variation 3368610 (VCV003368610.1).

ClinVar aggregate classification (germline): Uncertain significance (1 of 4 stars; one submission).

Submission:

GeneDx
Classification: Uncertain significance. Last evaluated: 2024-01-30. Review status: criteria provided, single submitter. Criteria: GeneDx Variant Classification Process June 2021. Collection method: clinical testing. Allele origin: germline. Affected: yes.
Comment: Not observed at significant frequency in large population cohorts (gnomAD); In silico analysis supports that this missense variant does not alter protein structure/function; Has not been previously published as pathogenic or benign to our knowledge